The following is an entry in ClinVar:

NM_001330078.2(NRXN1):c.772+1125A>G

Gene: NRXN1 (neurexin 1; minus strand). Cytogenetic location: 2p16.3.
Variant type: single nucleotide variant.
Coding change: c.772+1125A>G on transcript NM_001330078.2 (MANE Select); 1125 bases into the intron after coding-DNA position 772, A replaced by G.
Molecular consequence: intron variant. On other transcripts: missense variant (1).
Genome position (GRCh38, 1-based): chr2:51,026,377, T>C on the plus strand (A>G on the coding strand, the complement: NRXN1 is on the minus strand). VCF-style: chr2-51026377-T-C. GRCh37 (hg19) VCF-style: chr2-51253515-T-C.
Other names: c.865A>G, p.Thr289Ala (NM_001135659.3); c.772+1125A>G (NM_001330096.2, NM_001330087.2, NM_001330083.2 and 14 more transcripts); short protein forms T289A.
Identifiers: ClinVar variation 3683950 (VCV003683950.2).

ClinVar aggregate classification (germline): Uncertain significance (1 of 4 stars; one submission).

Conditions:
Pitt-Hopkins-like syndrome 2 (PTHSL2). Identifiers: Orphanet 221150, Orphanet 600663, MedGen C3280479, MONDO:0013690, OMIM 614325.

Submission:

Labcorp Genetics (formerly Invitae), Labcorp
Classification: Uncertain significance for Pitt-Hopkins-like syndrome 2. Last evaluated: 2024-08-06. Review status: criteria provided, single submitter. Criteria: Invitae Variant Classification Sherloc (09022015). Collection method: clinical testing. Allele origin: germline.
Comment: This sequence change replaces threonine, which is neutral and polar, with alanine, which is neutral and non-polar, at codon 289 of the NRXN1 protein (p.Thr289Ala). This variant is not present in population databases (gnomAD no frequency). This variant has not been reported in the literature in individuals affected with NRXN1-related conditions. An algorithm developed to predict the effect of missense changes on protein structure and function (PolyPhen-2) suggests that this variant is likely to be tolerated. In summary, the available evidence is currently insufficient to determine the role of this variant in disease. Therefore, it has been classified as a Variant of Uncertain Significance.